The following is an entry in ClinVar:

ClinVar aggregate classification (germline): Uncertain significance (1 of 4 stars; one submission).

Submission:

Labcorp Genetics (formerly Invitae), Labcorp
Classification: Uncertain significance. Last evaluated: 2025-07-06. Review status: criteria provided, single submitter. Criteria: Invitae Variant Classification Sherloc (09022015). Collection method: clinical testing. Allele origin: germline.
Comment: This sequence change replaces methionine, which is neutral and non-polar, with valine, which is neutral and non-polar, at codon 193 of the FCHO1 protein (p.Met193Val). This variant is not present in population databases (gnomAD no frequency). This variant has not been reported in the literature in individuals affected with FCHO1-related conditions. An algorithm developed to predict the effect of missense changes on protein structure and function (PolyPhen-2) suggests that this variant is likely to be tolerated. In summary, the available evidence is currently insufficient to determine the role of this variant in disease. Therefore, it has been classified as a Variant of Uncertain Significance.

NM_015122.3(FCHO1):c.577A>G (p.Met193Val)

Gene: FCHO1 (FCH and mu domain containing endocytic adaptor 1; plus strand). Cytogenetic location: 19p13.11.
Variant type: single nucleotide variant.
Coding change: c.577A>G on transcript NM_015122.3 (MANE Select); coding-DNA position 577, A replaced by G.
Protein change: p.Met193Val; replaces methionine 193 with valine.
Molecular consequence: missense variant. On other transcripts: non-coding transcript variant (36).
Genome position (GRCh38, 1-based): chr19:17,770,879, A>G. VCF-style: chr19-17770879-A-G. GRCh37 (hg19) VCF-style: chr19-17881688-A-G.
Other names: c.577A>G, p.Met193Val (NM_001384381.1, NM_001384387.1, NM_001384391.1 and 26 more transcripts); c.427A>G, p.Met143Val (NM_001384384.1, NM_001384385.1, NM_001384386.1 and 3 more transcripts); c.538A>G, p.Met180Val (NM_001384388.1, NM_001384389.1, NM_001384405.1); c.502A>G, p.Met168Val (NM_001384390.1); short protein forms M193V, M180V, M168V, M143V.
Identifiers: ClinVar variation 4774728 (VCV004774728.1).